The following is an entry in ClinVar:

NM_002016.2(FLG):c.4544C>A (p.Ser1515Ter)

Genes: CCDST (cervical cancer associated DHX9 suppressive transcript; plus strand), FLG (filaggrin; minus strand). Cytogenetic location: 1q21.3.
Variant type: single nucleotide variant.
Coding change: c.4544C>A on transcript NM_002016.2 (MANE Select); coding-DNA position 4544, C replaced by A.
Protein change: p.Ser1515Ter; replaces serine 1515 with a stop codon.
Molecular consequence: nonsense.
Genome position (GRCh38, 1-based): chr1:152,310,342, G>T on the plus strand (C>A on the coding strand, the complement: FLG is on the minus strand). VCF-style: chr1-152310342-G-T. GRCh37 (hg19) VCF-style: chr1-152282818-G-T.
Other names: short protein forms S1515*.
Identifiers: ClinVar variation 559656 (VCV000559656.12), dbSNP rs180768115, ClinGen allele CA1106174.

ClinVar aggregate classification (germline): Pathogenic/Likely pathogenic. Review status: criteria provided, multiple submitters, no conflicts (2 of 4 stars). 8 submissions from 8 submitters: Pathogenic (4); Likely pathogenic (3). 1 of the submissions does not count toward it. Last evaluated 2025-11-14.

Conditions:
Inborn genetic diseases. Identifiers: MedGen C0950123, MeSH D030342.
Dermatitis, atopic, 2. Identifiers: MedGen C1853965, MONDO:0011596, OMIM 605803.
Ichthyosis vulgaris. Also called: ICHTHYOSIS SIMPLEX; Dominant ichthyosis vulgaris. Identifiers: MedGen C0079584, MONDO:0024304, OMIM 146700.
FLG-related disorder. Also called: FLG-related disorders; FLG-related condition.

Allele frequency attached by ClinVar (database versions not stated): gnomAD 0.00006; TOPMed 0.00014; 1000 Genomes Project 30x 0.00031; 1000 Genomes Project 0.00040.
gnomAD v4.1: 56 of 1,613,918 alleles (0.0035%); highest among the groups gnomAD compares: East Asian, 0.11%; no homozygotes.

Submissions (8):

Variantyx, Inc.
Classification: Likely pathogenic for Dermatitis, atopic, 2. Last evaluated: 2025-11-14. Review status: criteria provided, single submitter. Criteria: Variantyx Assertion Criteria 2022. Collection method: clinical testing. Allele origin: germline. Inheritance: Semidominant inheritance. Affected: no.
Comment: This is a nonsense variant in the FLG gene (OMIM: 135940). Pathogenic variants in this gene have been associated with autosomal semidominant ichthyosis vulgaris. This variant introduces a premature termination codon in exon 3 out of 3 and is expected to result in loss of function, which is a known disease mechanism for FLG in this disorder (PMID: 16444271, 27793761, 27667308) (PVS1). This variant has a 0.1115% maximum allele frequency in non-founder control populations (PM2). Itt has been reported in the heterozygous state in several unrelated affected individuals (PMID: 21428977, 25997159,35599849, 28120571,22220561). Based on the current evidence, this variant is classified as likely pathogenic for autosomal semidominant ichthyosis vulgaris.

Ambry Genetics
Classification: Pathogenic for Inborn genetic diseases. Last evaluated: 2025-02-25. Review status: criteria provided, single submitter. Criteria: Ambry Variant Classification Scheme 2023. Collection method: clinical testing. Allele origin: germline.
Comment: The c.4544C>A (p.S1515*) alteration, located in exon 3 (coding exon 2) of the FLG gene, consists of a C to A substitution at nucleotide position 4544. This changes the amino acid from a serine (S) to a stop codon at amino acid position 1515. This variant is not expected to trigger nonsense-mediated mRNA decay, and impacts the last 62.7% of the protein. However, premature stop codons are typically deleterious in nature, the impacted region is critical for protein function, and a significant portion of the protein is affected (Ambry internal data). Based on data from gnomAD, the A allele has an overall frequency of 0.017% (47/282824) total alleles studied. The highest observed frequency was 0.236% (47/19952) of East Asian alleles. This variant has been identified in conjunction with other FLG variants in individuals with features consistent with FLG-related ichthyosis vulgaris (Chen, 2017). Based on the available evidence, this alteration is classified as pathogenic.

GeneDx
Classification: Pathogenic. Last evaluated: 2024-11-09. Review status: criteria provided, single submitter. Criteria: GeneDx Variant Classification Process June 2021. Collection method: clinical testing. Allele origin: germline. Affected: yes.
Comment: Nonsense variant predicted to result in protein truncation, as the last 2547 amino acids are lost, and other loss-of-function variants have been reported downstream in HGMD; This variant is associated with the following publications: (PMID: 28120571, 25997159, 21326297, 22220561, 35599849, 21428977, 16444271)

Blueprint Genetics
Classification: Likely pathogenic for FLG-related disorders. Last evaluated: 2024-06-13. Review status: criteria provided, single submitter. Criteria: ACMG Guidelines, 2015. Collection method: clinical testing. Allele origin: germline. Affected: yes. Observed: 5 variant alleles.

Genome-Nilou Lab
Classification: Pathogenic for Ichthyosis vulgaris. Last evaluated: 2023-04-11. Review status: criteria provided, single submitter. Criteria: ACMG Guidelines, 2015. Collection method: clinical testing. Allele origin: germline. Affected: no.

Mendelics
Classification: Pathogenic for Ichthyosis vulgaris. Last evaluated: 2022-05-04. Review status: criteria provided, single submitter. Criteria: Mendelics Assertion Criteria 2019. Collection method: clinical testing. Allele origin: germline.

Juno Genomics, Hangzhou Juno Genomics, Inc
Classification: Likely pathogenic for Dermatitis, atopic, 2; Ichthyosis vulgaris. Review status: criteria provided, single submitter. Criteria: ACMG Guidelines, 2015. Collection method: clinical testing. Allele origin: germline.
Comment: Null variant in a gene where loss of function (LOF) is a known mechanism of disease.;The prevalence of the variant in affected individuals is significantly increased compared to the prevalence in controls.;Patient's phenotype or family history is highly specific for a disease with a single genetic etiology.

Molecular Genetics Laboratory, BC Children's and BC Women's Hospitals
Classification: Likely pathogenic. Last evaluated: 2018-06-12. Review status: no assertion criteria provided. Criteria: ACMG Guidelines, 2015. Collection method: clinical testing. Allele origin: germline. Affected: yes. Not counted in ClinVar's aggregate classification.

Literature cited by the submitters: PubMed 16444271 (cited by Variantyx, Inc.); PubMed 27793761 (cited by Variantyx, Inc.); PubMed 27667308 (cited by Variantyx, Inc.); PubMed 28407221 (cited by Ambry Genetics).